The following is an entry in ClinVar:

ClinVar aggregate classification (germline): Benign (1 of 4 stars; one submission).

gnomAD v4.1: 34,389 of 1,611,826 alleles (2.1%); highest among the groups gnomAD compares: Non-Finnish European, 2.7%; 467 homozygotes.

Submission:

Mayo Clinic Laboratories, Mayo Clinic
Classification: Benign. Last evaluated: 2022-12-22. Review status: criteria provided, single submitter. Criteria: ACMG Guidelines, 2015. Collection method: clinical testing. Allele origin: germline. Observed: 64 variant alleles.
Comment: BS1, BS2, BP4, BP7

NM_001377137.1(GBF1):c.798C>T (p.Pro266=)

Gene: GBF1 (golgi brefeldin A resistant guanine nucleotide exchange factor 1; plus strand). Cytogenetic location: 10q24.32.
Variant type: single nucleotide variant.
Coding change: c.798C>T on transcript NM_001377137.1 (MANE Select); coding-DNA position 798, C replaced by T.
Protein change: p.Pro266=; no amino-acid change (proline 266 retained).
Molecular consequence: synonymous variant. On other transcripts: non-coding transcript variant (5).
Genome position (GRCh38, 1-based): chr10:102,358,516, C>T. VCF-style: chr10-102358516-C-T. GRCh37 (hg19) VCF-style: chr10-104118273-C-T.
Other names: p.Pro266=; c.798C>T, p.Pro266= (NM_001199378.2, NM_001199379.2, NM_001377138.1 and 13 more transcripts); c.897C>T, p.Pro299= (NM_001391922.1, NM_001411027.1); c.873C>T, p.Pro291= (NM_001411003.1).
Identifiers: ClinVar variation 4683541 (VCV004683541.1).
Genomic context (GRCh38, chr10:102,358,516, plus strand): 5'-GCCCACAGCCTCTTTCTTCTCCTTCAAGCGTCACATACTTTTCTTGGCAGGTGGCATGCC[C>T]TTCATTGATGTGCCCACTCCCATCTCCTCTGCAAGTTCAGAAGCTGCCTCAGCAGTGGTC-3'
Protein context (NP_001364066.1, residues 256-276): TLSSNLTGGM[Pro266=]FIDVPTPISS